The following is an entry in ClinVar:

ClinVar aggregate classification (germline): Benign/Likely benign. Review status: criteria provided, multiple submitters, no conflicts (2 of 4 stars). 9 submissions from 9 submitters: Benign (2); Likely benign (4). 3 of the submissions do not count toward it. Last evaluated 2026-04-01.

Conditions:
Inborn genetic diseases. Identifiers: MedGen C0950123, MeSH D030342.
TRIO-related disorder. Also called: TRIO-related condition; TRIO-related disorders.

Allele frequency attached by ClinVar (database versions not stated): gnomAD exomes 0.00046; ExAC 0.00108; TOPMed 0.00136; gnomAD 0.00152 and 0.00158.
gnomAD v4.1: 3,074 of 1,064,118 alleles (0.29%); highest among the groups gnomAD compares: Non-Finnish European, 0.34%; 5 homozygotes.

Submissions (9):

CeGaT Center for Human Genetics Tuebingen
Classification: Likely benign. Last evaluated: 2026-04-01. Review status: criteria provided, single submitter. Criteria: CeGaT Center For Human Genetics Tuebingen Variant Classification Criteria Version 2. Collection method: clinical testing. Allele origin: germline. Affected: yes. Observed: 10 variant alleles.
Comment: TRIO: BS1

Blueprint Genetics
Classification: Likely benign. Last evaluated: 2024-11-18. Review status: criteria provided, single submitter. Criteria: ACMG Guidelines, 2015. Collection method: clinical testing. Allele origin: germline.

Ambry Genetics
Classification: Likely benign for Inborn genetic diseases. Last evaluated: 2022-09-08. Review status: criteria provided, single submitter. Criteria: Ambry Variant Classification Scheme 2023. Collection method: clinical testing. Allele origin: germline.

GeneDx
Classification: Benign. Last evaluated: 2020-04-20. Review status: criteria provided, single submitter. Criteria: GeneDx Variant Classification Process June 2021. Collection method: clinical testing. Allele origin: germline. Affected: yes.

Labcorp Genetics (formerly Invitae), Labcorp
Classification: Likely benign. Last evaluated: 2019-12-31. Review status: criteria provided, single submitter. Criteria: Invitae Variant Classification Sherloc (09022015). Collection method: clinical testing. Allele origin: germline.

Genetic Services Laboratory, University of Chicago
Classification: Benign. Last evaluated: 2019-07-18. Review status: criteria provided, single submitter. Criteria: ACMG Guidelines, 2015. Collection method: clinical testing. Allele origin: germline. Affected: no.

PreventionGenetics, part of Exact Sciences
Classification: Likely benign for TRIO-related condition. Last evaluated: 2019-06-05. Review status: no assertion criteria provided. Collection method: clinical testing. Allele origin: germline. Not counted in ClinVar's aggregate classification.
Comment: This variant is classified as likely benign based on ACMG/AMP sequence variant interpretation guidelines (Richards et al. 2015 PMID: 25741868, with internal and published modifications).

Clinical Genetics DNA and cytogenetics Diagnostics Lab, Erasmus MC, Erasmus Medical Center
Classification: Likely benign. Review status: no assertion criteria provided. Collection method: clinical testing. Allele origin: germline. Affected: yes. Study: VKGL Data-share Consensus. Not counted in ClinVar's aggregate classification.

Laboratory of Diagnostic Genome Analysis, Leiden University Medical Center (LUMC)
Classification: Likely benign. Review status: no assertion criteria provided. Collection method: clinical testing. Allele origin: germline. Affected: yes. Study: VKGL Data-share Consensus. Not counted in ClinVar's aggregate classification.

NM_007118.4(TRIO):c.6914G>A (p.Gly2305Asp)

Gene: TRIO (trio Rho guanine nucleotide exchange factor; plus strand). Cytogenetic location: 5p15.2.
Variant type: single nucleotide variant.
Coding change: c.6914G>A on transcript NM_007118.4 (MANE Select); coding-DNA position 6914, G replaced by A.
Protein change: p.Gly2305Asp; replaces glycine 2305 with aspartic acid.
Molecular consequence: missense variant. On other transcripts: non-coding transcript variant (1).
Genome position (GRCh38, 1-based): chr5:14,487,542, G>A. VCF-style: chr5-14487542-G-A. GRCh37 (hg19) VCF-style: chr5-14487651-G-A.
Other names: short protein forms G2305D.
Identifiers: ClinVar variation 715801 (VCV000715801.39), dbSNP rs552613615, ClinGen allele CA3207301.